The following is an entry in ClinVar:

NM_000132.4(F8):c.5302C>A (p.Arg1768Ser)

Gene: F8 (coagulation factor VIII; minus strand). Cytogenetic location: Xq28.
Variant type: single nucleotide variant.
Coding change: c.5302C>A on transcript NM_000132.4 (MANE Select); coding-DNA position 5302, C replaced by A.
Protein change: p.Arg1768Ser; replaces arginine 1768 with serine.
Molecular consequence: missense variant.
Genome position (GRCh38, 1-based): chrX:154,906,491, G>T on the plus strand (C>A on the coding strand, the complement: F8 is on the minus strand). VCF-style: chrX-154906491-G-T. GRCh37 (hg19) VCF-style: chrX-154134766-G-T.
Other names: short protein forms R1768S.
Identifiers: ClinVar variation 4077371 (VCV004077371.1).
Genomic context (GRCh38, chrX:154,906,491, plus strand): 5'-CTTCAACTTCTGCTCTTATATATGGCCCCAGGAGTCCCAAATGTTCATTTAGTTCTCCAC[G>T]GTATAAGGGCTGAGTAAAGGAGCCATCAGTAAATTCCTGGAAAACAACTTTCTTGAACTG-3'
Protein context (NP_000123.1, residues 1758-1778): TDGSFTQPLY[Arg1768Ser]GELNEHLGLL

ClinVar aggregate classification (germline): Uncertain significance (1 of 4 stars; one submission).

Submission:

GeneDx
Classification: Uncertain significance. Last evaluated: 2025-03-01. Review status: criteria provided, single submitter. Criteria: GeneDx Variant Classification Process June 2021. Collection method: clinical testing. Allele origin: germline. Affected: yes.
Comment: Not observed at significant frequency in large population cohorts (gnomAD); In silico analysis supports that this missense variant has a deleterious effect on protein structure/function; Has not been previously published as pathogenic or benign to our knowledge